The following is an entry in ClinVar:

NM_001005273.3(CHD3):c.1612C>G (p.Pro538Ala)

Gene: CHD3 (chromodomain helicase DNA binding protein 3; plus strand). Cytogenetic location: 17p13.1.
Variant type: single nucleotide variant.
Coding change: c.1612C>G on transcript NM_001005273.3 (MANE Select); coding-DNA position 1612, C replaced by G.
Protein change: p.Pro538Ala; replaces proline 538 with alanine.
Molecular consequence: missense variant.
Genome position (GRCh38, 1-based): chr17:7,895,447, C>G. VCF-style: chr17-7895447-C-G. GRCh37 (hg19) VCF-style: chr17-7798765-C-G.
Other names: c.1789C>G, p.Pro597Ala (NM_001005271.3); c.1612C>G, p.Pro538Ala (NM_005852.4); short protein forms P538A, P597A.
Identifiers: ClinVar variation 1315418 (VCV001315418.2), dbSNP rs761557613, ClinGen allele CA287491541.

ClinVar aggregate classification (germline): Uncertain significance (1 of 4 stars; one submission).

Allele frequency attached by ClinVar (database versions not stated): TOPMed 0.00002; gnomAD 0.00003.
gnomAD v4.1: 8 of 1,613,530 alleles (0.0005%); highest among the groups gnomAD compares: African/African-American, 0.0094%; no homozygotes.

Submission:

GeneDx
Classification: Uncertain significance. Last evaluated: 2020-03-03. Review status: criteria provided, single submitter. Criteria: GeneDx Variant Classification Process June 2021. Collection method: clinical testing. Allele origin: germline. Affected: yes.
Comment: Not observed in large population cohorts (Lek et al., 2016); In silico analysis supports that this missense variant does not alter protein structure/function; Has not been previously published as pathogenic or benign to our knowledge